The following is an entry in ClinVar:

NM_018979.4(WNK1):c.5509+83A>G

Gene: WNK1 (WNK lysine deficient protein kinase 1; plus strand). Cytogenetic location: 12p13.33.
Variant type: single nucleotide variant.
Coding change: c.5509+83A>G on transcript NM_018979.4 (MANE Select); 83 bases into the intron after coding-DNA position 5509, A replaced by G.
Molecular consequence: intron variant.
Genome position (GRCh38, 1-based): chr12:890,596, A>G. VCF-style: chr12-890596-A-G. GRCh37 (hg19) VCF-style: chr12-999762-A-G.
Other names: c.6265+83A>G (NM_213655.5); c.6289+83A>G (NM_001184985.2); c.4765+86A>G (NM_014823.3).
Identifiers: ClinVar variation 670310 (VCV000670310.5), dbSNP rs2255390, ClinGen allele CA13610666.
Genomic context (GRCh38, chr12:890,596, plus strand): 5'-TTATATTACTAATTCCAGCCCTACCCGTAGTTGATTCAGGAGGTTTACCGTTTCAAAGAC[A>G]CATTTCCACGTATTTGATAACTGAGGAGCATTGGTAGTAATATCTAAAGCTTGAAAGATT-3'

ClinVar aggregate classification (germline): Benign. Review status: criteria provided, multiple submitters, no conflicts (2 of 4 stars). 3 submissions from 3 submitters: Benign (3). Last evaluated 2021-07-14.

Conditions:
Neuropathy, hereditary sensory and autonomic, type 2A (HSAN2A). Also called: WNK1-Related HSAN2 (HSAN2A); ACROOSTEOLYSIS, GIACCAI TYPE; ACROOSTEOLYSIS, NEUROGENIC; MORVAN DISEASE; NEUROPATHY, CONGENITAL SENSORY; NEUROPATHY, HEREDITARY SENSORY RADICULAR, AUTOSOMAL RECESSIVE. Identifiers: Orphanet 970, MedGen C2752089, MONDO:0024309, OMIM 201300.

Allele frequency attached by ClinVar (database versions not stated): gnomAD exomes 0.56548; gnomAD 0.57410 and 0.57647; TOPMed 0.57527; 1000 Genomes Project 30x 0.58214; 1000 Genomes Project 0.58227.
gnomAD v4.1: 808,246 of 1,425,308 alleles (57%); highest among the groups gnomAD compares: Middle Eastern, 75%; 230,852 homozygotes.

Submissions (3):

Genome-Nilou Lab
Classification: Benign for Neuropathy, hereditary sensory and autonomic, type 2A. Last evaluated: 2021-07-14. Review status: criteria provided, single submitter. Criteria: ACMG Guidelines, 2015. Collection method: clinical testing. Allele origin: germline. Affected: no.

GeneDx
Classification: Benign. Last evaluated: 2018-06-19. Review status: criteria provided, single submitter. Criteria: GeneDx Variant Classification (06012015). Collection method: clinical testing. Allele origin: germline. Affected: yes.
Comment: This variant is considered likely benign or benign based on one or more of the following criteria: it is a conservative change, it occurs at a poorly conserved position in the protein, it is predicted to be benign by multiple in silico algorithms, and/or has population frequency not consistent with disease.

Breakthrough Genomics
Classification: Benign. Review status: criteria provided, single submitter. Criteria: ACMG Guidelines, 2015. Collection method: not provided. Allele origin: germline. Inheritance: Autosomal recessive inheritance. Affected: yes.